The following is an entry in ClinVar:

NM_003970.4(MYOM2):c.3326-10T>C

Gene: MYOM2 (myomesin 2; plus strand). Cytogenetic location: 8p23.3.
Variant type: single nucleotide variant.
Coding change: c.3326-10T>C on transcript NM_003970.4 (MANE Select); 10 bases into the intron before coding-DNA position 3326, T replaced by C.
Molecular consequence: intron variant.
Genome position (GRCh38, 1-based): chr8:2,116,206, T>C. VCF-style: chr8-2116206-T-C. GRCh37 (hg19) VCF-style: chr8-2064000-T-C.
Identifiers: ClinVar variation 3056987 (VCV003056987.2), dbSNP rs117078021, ClinGen allele CA170461283.

ClinVar aggregate classification (germline): Likely benign (0 of 4 stars; one submission).

Conditions:
MYOM2-related disorder. Also called: MYOM2-related condition.

Allele frequency attached by ClinVar (database versions not stated): 1000 Genomes Project 0.00200; 1000 Genomes Project 30x 0.00203; ESP Exome Variant Server 0.00292; gnomAD 0.00305; TOPMed 0.00308; ExAC 0.00334; gnomAD exomes 0.00428.
gnomAD v4.1: 6,632 of 1,598,796 alleles (0.41%); highest among the groups gnomAD compares: Non-Finnish European, 0.5%; 25 homozygotes.

Submission:

PreventionGenetics, part of Exact Sciences
Classification: Likely benign for MYOM2-related condition. Last evaluated: 2019-04-30. Review status: no assertion criteria provided. Collection method: clinical testing. Allele origin: germline.
Comment: This variant is classified as likely benign based on ACMG/AMP sequence variant interpretation guidelines (Richards et al. 2015 PMID: 25741868, with internal and published modifications).